The following is an entry in ClinVar:

NM_000038.6(APC):c.3665C>A (p.Ser1222Ter)

Gene: APC (APC regulator of Wnt signaling pathway; plus strand). Cytogenetic location: 5q22.2.
Variant type: single nucleotide variant.
Coding change: c.3665C>A on transcript NM_000038.6 (MANE Select); coding-DNA position 3665, C replaced by A.
Protein change: p.Ser1222Ter; replaces serine 1222 with a stop codon.
Molecular consequence: nonsense.
Genome position (GRCh38, 1-based): chr5:112,839,259, C>A. VCF-style: chr5-112839259-C-A. GRCh37 (hg19) VCF-style: chr5-112174956-C-A.
Other names: c.3665C>A, p.Ser1222Ter (NM_001127510.3, NM_001354895.2); c.3611C>A, p.Ser1204Ter (NM_001127511.3); c.3719C>A, p.Ser1240Ter (NM_001354896.2); c.3695C>A, p.Ser1232Ter (NM_001354897.2); c.3590C>A, p.Ser1197Ter (NM_001354898.2); c.3581C>A, p.Ser1194Ter (NM_001354899.2); c.3542C>A, p.Ser1181Ter (NM_001354900.2); c.3488C>A, p.Ser1163Ter (NM_001354901.2); and 5 more; short protein forms S1204*, S1222*, S1121*, S1194*, S1197*, S1096*, S1232*, S939*.
Identifiers: ClinVar variation 428183 (VCV000428183.9), dbSNP rs1114167614, ClinGen allele CA16029377.
Genomic context (GRCh38, chr5:112,839,259, plus strand): 5'-CTGGACAAAGCAGTAAAACCGAACATATGTCTTCAAGCAGTGAGAATACGTCCACACCTT[C>A]ATCTAATGCCAAGAGGCAGAATCAGCTCCATCCAAGTTCTGCACAGAGTAGAAGTGGTCA-3'

ClinVar aggregate classification (germline): Pathogenic. Review status: criteria provided, multiple submitters, no conflicts (2 of 4 stars). 4 submissions from 4 submitters: Pathogenic (4). Last evaluated 2024-01-08.

Conditions:
Familial adenomatous polyposis 1 (FAP1). Also called: FAMILIAL ADENOMATOUS POLYPOSIS 1, ATTENUATED; POLYPOSIS, ADENOMATOUS INTESTINAL. Identifiers: MedGen C2713442, MONDO:0021056, OMIM 175100. Disease mechanism: loss of function.
Classic or attenuated familial adenomatous polyposis. Identifiers: MedGen CN372698, MONDO:0021057.
Hereditary cancer-predisposing syndrome. Also called: Hereditary Cancer Syndrome; Neoplastic Syndromes, Hereditary; Hereditary neoplastic syndrome; Tumor predisposition. Identifiers: Orphanet 140162, MedGen C0027672, MeSH D009386, MONDO:0015356.

Submissions (4):

All of Us Research Program, National Institutes of Health
Classification: Pathogenic for Classic or attenuated familial adenomatous polyposis. Last evaluated: 2024-01-08. Review status: criteria provided, single submitter. Criteria: ACMG Guidelines, 2015. Collection method: clinical testing. Allele origin: germline. Inheritance: Autosomal dominant inheritance. Observed: 1 variant allele, 1 heterozygote.
Comment: This variant changes 1 nucleotide in exon 16 of the APC gene, creating a premature translation stop signal in the last coding exon. This variant is predicted to escape nonsense-mediated decay and be expressed as a truncated protein. Although functional studies have not been reported, this variant is expected to disrupt nuclear localization signal domains, beta-Catenin-, EB1-, and HDLG-binding sites (PMID: 17881494). In addition, truncating variants occurring downstream of this variant are known to be disease-causing (ClinVar variation ID: 628123, 653103, 486770). To our knowledge, this variant has not been reported in individuals affected with APC-related disorders in the literature. This variant has not been identified in the general population by the Genome Aggregation Database (gnomAD). Loss of APC function is a known mechanism of disease. Based on the available evidence, this variant is classified as Pathogenic.

This study involves interpretation of variants in research participants for the purpose of population health screening. Participant phenotype was not available at the time of variant classification. Additional details can be found in publication PMID: 35346344, PMCID: PMC8962531

Color Diagnostics, LLC DBA Color Health
Classification: Pathogenic for Hereditary cancer-predisposing syndrome. Last evaluated: 2023-06-21. Review status: criteria provided, single submitter. Criteria: ACMG Guidelines, 2015. Collection method: clinical testing. Allele origin: germline.
Comment: This variant changes 1 nucleotide in exon 16 of the APC gene, creating a premature translation stop signal in the last coding exon. This variant is predicted to escape nonsense-mediated decay and be expressed as a truncated protein. Although functional studies have not been reported, this variant is expected to disrupt nuclear localization signal domains, beta-Catenin-, EB1-, and HDLG-binding sites (PMID: 17881494). In addition, truncating variants occurring downstream of this variant are known to be disease-causing (ClinVar variation ID: 628123, 653103, 486770). To our knowledge, this variant has not been reported in individuals affected with APC-related disorders in the literature. This variant has not been identified in the general population by the Genome Aggregation Database (gnomAD). Loss of APC function is a known mechanism of disease. Based on the available evidence, this variant is classified as Pathogenic.

Myriad Genetics, Inc.
Classification: Pathogenic for Familial adenomatous polyposis 1. Last evaluated: 2023-05-09. Review status: criteria provided, single submitter. Criteria: Myriad Autosomal Dominant, Autosomal Recessive and X-Linked Classification Criteria (2023). Collection method: clinical testing. Allele origin: unknown.
Comment: This variant is considered pathogenic. This variant creates a termination codon and is predicted to result in premature protein truncation.

Ambry Genetics
Classification: Pathogenic for Hereditary cancer-predisposing syndrome. Last evaluated: 2016-11-30. Review status: criteria provided, single submitter. Criteria: Ambry Variant Classification Scheme 2023. Collection method: clinical testing. Allele origin: germline.
Comment: The p.S1222* pathogenic mutation (also known as c.3665C>A), located in coding exon 15 of the APC gene, results from a C to A substitution at nucleotide position 3665. This changes the amino acid from a serine to a stop codon within coding exon 15. This alteration was described as an unequivocally pathogenic mutation by authors who identified it in 1/1591 consecutive patients undergoing clinical APC testing (Kerr SE et al. J Mol Diagn 2013 Jan;15:31-43). In addition to the clinical data presented in the literature, this alteration is expected to result in loss of function by premature protein truncation. As such, this alteration is interpreted as a disease-causing mutation.

Literature cited by the submitters: PubMed 17881494 (cited by All of Us Research Program, National Institutes of Health and Color Diagnostics, LLC DBA Color Health); PubMed 23159591 (cited by Ambry Genetics).